The following is an entry in ClinVar:

ClinVar aggregate classification (germline): Uncertain significance. Review status: criteria provided, multiple submitters, no conflicts (2 of 4 stars). 4 submissions from 4 submitters: Uncertain significance (4). Last evaluated 2026-04-27.

Conditions:
Catecholaminergic polymorphic ventricular tachycardia 1. Also called: VENTRICULAR TACHYCARDIA, CATECHOLAMINERGIC POLYMORPHIC, 1, WITH OR WITHOUT ATRIAL DYSFUNCTION AND/OR DILATED CARDIOMYOPATHY; RYR2-Related Catecholaminergic Polymorphic Ventricular Tachycardia; VENTRICULAR TACHYCARDIA, STRESS-INDUCED POLYMORPHIC 1. Identifiers: Orphanet 3286, MedGen C1631597, MONDO:0011484, OMIM 604772.
Arrhythmogenic right ventricular dysplasia 2. Identifiers: MedGen C1832931.
Ventricular arrhythmias due to cardiac ryanodine receptor calcium release deficiency syndrome. Also called: Autosomal dominant cardiac arrhythmia (Kuhn). Identifiers: MedGen C5542154, MONDO:0020745, OMIM 115000.
Cardiovascular phenotype. Identifiers: MedGen CN230736.
Catecholaminergic polymorphic ventricular tachycardia (CVPT). Also called: Catecholamine-induced polymorphic ventricular tachycardia. Identifiers: Orphanet 3286, MedGen C5574922, MONDO:0017990.

Allele frequency attached by ClinVar (database versions not stated): gnomAD 0.00001; TOPMed 0.00001; gnomAD exomes below 0.00001.
gnomAD v4.1: 5 of 1,611,520 alleles (0.00031%); highest among the groups gnomAD compares: Non-Finnish European, 0.00042%; no homozygotes.

Submissions (4):

Ambry Genetics
Classification: Uncertain significance for Cardiovascular phenotype. Last evaluated: 2026-04-27. Review status: criteria provided, single submitter. Criteria: Ambry Variant Classification Scheme 2023. Collection method: clinical testing. Allele origin: germline.
Comment: The p.T3538P variant (also known as c.10612A>C), located in coding exon 74 of the RYR2 gene, results from an A to C substitution at nucleotide position 10612. The threonine at codon 3538 is replaced by proline, an amino acid with highly similar properties. This amino acid position is not well conserved in available vertebrate species. In addition, this alteration is predicted to be tolerated by in silico analysis. Based on the available evidence, the clinical significance of this variant remains unclear.

Labcorp Genetics (formerly Invitae), Labcorp
Classification: Uncertain significance for Catecholaminergic polymorphic ventricular tachycardia 1. Last evaluated: 2025-03-09. Review status: criteria provided, single submitter. Criteria: Invitae Variant Classification Sherloc (09022015). Collection method: clinical testing. Allele origin: germline.
Comment: This sequence change replaces threonine, which is neutral and polar, with proline, which is neutral and non-polar, at codon 3538 of the RYR2 protein (p.Thr3538Pro). This variant is present in population databases (no rsID available, gnomAD 0.0009%). This variant has not been reported in the literature in individuals affected with RYR2-related conditions. ClinVar contains an entry for this variant (Variation ID: 1002881). Invitae Evidence Modeling of protein sequence and biophysical properties (such as structural, functional, and spatial information, amino acid conservation, physicochemical variation, residue mobility, and thermodynamic stability) indicates that this missense variant is not expected to disrupt RYR2 protein function with a negative predictive value of 95%. In summary, the available evidence is currently insufficient to determine the role of this variant in disease. Therefore, it has been classified as a Variant of Uncertain Significance.

All of Us Research Program, National Institutes of Health
Classification: Uncertain significance for Catecholaminergic polymorphic ventricular tachycardia. Last evaluated: 2024-01-11. Review status: criteria provided, single submitter. Criteria: ACMG Guidelines, 2015. Collection method: clinical testing. Allele origin: germline. Inheritance: Autosomal dominant inheritance. Observed: 2 variant alleles, 2 heterozygotes.
Comment: This study involves interpretation of variants in research participants for the purpose of population health screening. Participant phenotype was not available at the time of variant classification. Additional details can be found in publication PMID: 35346344, PMCID: PMC8962531

Fulgent Genetics
Classification: Uncertain significance for Ventricular arrhythmias due to cardiac ryanodine receptor calcium release deficiency syndrome; Catecholaminergic polymorphic ventricular tachycardia 1. Last evaluated: 2021-08-12. Review status: criteria provided, single submitter. Criteria: ACMG Guidelines, 2015. Collection method: clinical testing. Allele origin: unknown.

NM_001035.3(RYR2):c.10612A>C (p.Thr3538Pro)

Gene: RYR2 (ryanodine receptor 2; plus strand). Cytogenetic location: 1q43.
Variant type: single nucleotide variant.
Coding change: c.10612A>C on transcript NM_001035.3 (MANE Select); coding-DNA position 10612, A replaced by C.
Protein change: p.Thr3538Pro; replaces threonine 3538 with proline.
Molecular consequence: missense variant.
Genome position (GRCh38, 1-based): chr1:237,723,185, A>C. VCF-style: chr1-237723185-A-C. GRCh37 (hg19) VCF-style: chr1-237886485-A-C.
Other names: c.10612A>C (NM_001035.2); short protein forms T3538P.
Identifiers: ClinVar variation 1002881 (VCV001002881.13), dbSNP rs894881755, ClinGen allele CA39804272.